The following is an entry in ClinVar:

NM_002075.4(GNB3):c.193A>G (p.Thr65Ala)

Gene: GNB3 (G protein subunit beta 3; plus strand). Cytogenetic location: 12p13.31.
Variant type: single nucleotide variant.
Coding change: c.193A>G on transcript NM_002075.4 (MANE Select); coding-DNA position 193, A replaced by G.
Protein change: p.Thr65Ala; replaces threonine 65 with alanine.
Molecular consequence: missense variant.
Genome position (GRCh38, 1-based): chr12:6,843,066, A>G. VCF-style: chr12-6843066-A-G. GRCh37 (hg19) VCF-style: chr12-6952230-A-G.
Other names: c.193A>G, p.Thr65Ala (NM_001297571.2); short protein forms T65A.
Identifiers: ClinVar variation 1000738 (VCV001000738.10), dbSNP rs1733523366, ClinGen allele CA383671851.

ClinVar aggregate classification (germline): Uncertain significance (1 of 4 stars; one submission).

Allele frequency attached by ClinVar (database versions not stated): gnomAD exomes below 0.00001; TOPMed below 0.00001.
gnomAD v4.1: 4 of 1,601,436 alleles (0.00025%); highest among the groups gnomAD compares: Non-Finnish European, 0.00034%; no homozygotes.

Submission:

Labcorp Genetics (formerly Invitae), Labcorp
Classification: Uncertain significance. Last evaluated: 2022-01-06. Review status: criteria provided, single submitter. Criteria: Invitae Variant Classification Sherloc (09022015). Collection method: clinical testing. Allele origin: germline.
Comment: In summary, the available evidence is currently insufficient to determine the role of this variant in disease. Therefore, it has been classified as a Variant of Uncertain Significance. Algorithms developed to predict the effect of missense changes on protein structure and function (SIFT, PolyPhen-2, Align-GVGD) all suggest that this variant is likely to be tolerated. ClinVar contains an entry for this variant (Variation ID: 1000738). This variant has not been reported in the literature in individuals affected with GNB3-related conditions. This variant is not present in population databases (gnomAD no frequency). This sequence change replaces threonine, which is neutral and polar, with alanine, which is neutral and non-polar, at codon 65 of the GNB3 protein (p.Thr65Ala).